The following is an entry in ClinVar:

NM_032043.3(BRIP1):c.1473+3A>G

Gene: BRIP1 (BRCA1 interacting DNA helicase 1; minus strand). Cytogenetic location: 17q23.2.
Variant type: single nucleotide variant.
Coding change: c.1473+3A>G on transcript NM_032043.3 (MANE Select); 3 bases into the intron after coding-DNA position 1473, A replaced by G.
Molecular consequence: intron variant.
Genome position (GRCh38, 1-based): chr17:61,793,594, T>C on the plus strand (A>G on the coding strand, the complement: BRIP1 is on the minus strand). VCF-style: chr17-61793594-T-C. GRCh37 (hg19) VCF-style: chr17-59870955-T-C.
Identifiers: ClinVar variation 1773389 (VCV001773389.9), dbSNP rs2077852092, ClinGen allele CA2580094509.

ClinVar aggregate classification (germline): Conflicting classifications of pathogenicity. Review status: criteria provided, conflicting classifications (1 of 4 stars). 3 submissions from 3 submitters: Uncertain significance (2); Likely benign (1). Last evaluated 2025-02-05.

Conditions:
Fanconi anemia complementation group J. Also called: BRIP1-Related Fanconi Anemia. Identifiers: Orphanet 84, MedGen C1836860, MONDO:0012187, OMIM 609054.
Familial cancer of breast. Also called: BREAST CANCER, FAMILIAL; Hereditary breast cancer; hereditary breast carcinoma. Identifiers: Orphanet 227535, MedGen C0346153, MONDO:0016419, OMIM 114480. Disease mechanism: loss of function.
Hereditary cancer-predisposing syndrome. Also called: Tumor predisposition; Neoplastic Syndromes, Hereditary; Hereditary Cancer Syndrome; Hereditary neoplastic syndrome. Identifiers: Orphanet 140162, MedGen C0027672, MeSH D009386, MONDO:0015356.

Submissions (3):

St. Jude Molecular Pathology, St. Jude Children's Research Hospital
Classification: Uncertain significance for Fanconi anemia complementation group J. Last evaluated: 2025-02-05. Review status: criteria provided, single submitter. Criteria: St. Jude Assertion Criteria 2020. Collection method: clinical testing. Allele origin: germline.
Comment: The BRIP1 c.1473+3A>G intronic change results in an A to G substitution at the +3 position of intron 10 of the BRIP1 gene. Algorithms that predict the impact of sequence changes on splicing are inconclusive. This variant is absent in gnomAD v2.1.1. This variant has not been reported in individuals with hereditary breast and ovarian cancer syndrome or Fanconi anemia. In summary, the evidence currently available is insufficient to determine the clinical significance of this variant. It has therefore been classified as of uncertain significance.

Labcorp Genetics (formerly Invitae), Labcorp
Classification: Likely benign for Familial cancer of breast; Fanconi anemia complementation group J. Last evaluated: 2023-08-10. Review status: criteria provided, single submitter. Criteria: Invitae Variant Classification Sherloc (09022015). Collection method: clinical testing. Allele origin: germline.

Ambry Genetics
Classification: Uncertain significance for Hereditary cancer-predisposing syndrome. Last evaluated: 2023-06-05. Review status: criteria provided, single submitter. Criteria: Ambry Variant Classification Scheme 2023. Collection method: clinical testing. Allele origin: germline.
Comment: The c.1473+3A>G intronic variant results from an A to G substitution 3 nucleotides after coding exon 9 in the BRIP1 gene. This nucleotide position is highly conserved in available vertebrate species. In silico splice site analysis for this alteration is inconclusive. Since supporting evidence is limited at this time, the clinical significance of this alteration remains unclear.